The following is an entry in ClinVar:

NM_002641.4(PIGA):c.1427A>G (p.Glu476Gly)

Gene: PIGA (phosphatidylinositol glycan anchor biosynthesis class A; minus strand). Cytogenetic location: Xp22.2.
Variant type: single nucleotide variant.
Coding change: c.1427A>G on transcript NM_002641.4 (MANE Select); coding-DNA position 1427, A replaced by G.
Protein change: p.Glu476Gly; replaces glutamic acid 476 with glycine.
Molecular consequence: missense variant. On other transcripts: non-coding transcript variant (2).
Genome position (GRCh38, 1-based): chrX:15,321,534, T>C on the plus strand (A>G on the coding strand, the complement: PIGA is on the minus strand). VCF-style: chrX-15321534-T-C. GRCh37 (hg19) VCF-style: chrX-15339656-T-C.
Other names: c.725A>G, p.Glu242Gly (NM_020473.3); short protein forms E476G, E242G.
Identifiers: ClinVar variation 653615 (VCV000653615.9), dbSNP rs775330646, ClinGen allele CA10354044.
Genomic context (GRCh38, chrX:15,321,534, plus strand): 5'-AATGTTTAAAATCTTACAATCTAGGCTTCCTTCTACCTGGTTTCAGATATCTCATTATTC[T>C]CACCCCCTCTTTTACTGTGAGAATAGTTATTAGTCCAGGCACCCCGTGGCCCAGTGGCAT-3'
Protein context (NP_002632.1, residues 466-484): NNYSHSKRGG[Glu476Gly]NNEISETR

ClinVar aggregate classification (germline): Uncertain significance (1 of 4 stars; one submission).

Conditions:
Multiple congenital anomalies-hypotonia-seizures syndrome 2 (MCAHS2). Also called: EPILEPTIC ENCEPHALOPATHY, EARLY INFANTILE, 20; GLYCOSYLPHOSPHATIDYLINOSITOL BIOSYNTHESIS DEFECT 4. Identifiers: Orphanet 300496, MedGen C3275508, MONDO:0010466, OMIM 300868.

Allele frequency attached by ClinVar (database versions not stated): ExAC 0.00001; gnomAD 0.00001; gnomAD exomes 0.00001 and 0.00005.
gnomAD v4.1: 54 of 1,206,432 alleles (0.0045%); highest among the groups gnomAD compares: Non-Finnish European, 0.0057%; no homozygotes.

Submission:

Labcorp Genetics (formerly Invitae), Labcorp
Classification: Uncertain significance for Multiple congenital anomalies-hypotonia-seizures syndrome 2. Last evaluated: 2025-12-15. Review status: criteria provided, single submitter. Criteria: Invitae Variant Classification Sherloc (09022015). Collection method: clinical testing. Allele origin: germline.
Comment: This sequence change replaces glutamic acid, which is acidic and polar, with glycine, which is neutral and non-polar, at codon 476 of the PIGA protein (p.Glu476Gly). This variant is present in population databases (rs775330646, gnomAD 0.001%), including at least one homozygous and/or hemizygous individual. This variant has not been reported in the literature in individuals affected with PIGA-related conditions. ClinVar contains an entry for this variant (Variation ID: 653615). Invitae Evidence Modeling of protein sequence and biophysical properties (such as structural, functional, and spatial information, amino acid conservation, physicochemical variation, residue mobility, and thermodynamic stability) has been performed for this missense variant. However, the output from this modeling did not meet the statistical confidence thresholds required to predict the impact of this variant on PIGA protein function. In summary, the available evidence is currently insufficient to determine the role of this variant in disease. Therefore, it has been classified as a Variant of Uncertain Significance.